The following is an entry in ClinVar:

NM_001264.5(CDSN):c.166C>T (p.Leu56Phe)

Genes: CDSN (corneodesmosin; minus strand), PSORS1C1 (psoriasis susceptibility 1 candidate 1; plus strand). Cytogenetic location: 6p21.33.
Variant type: single nucleotide variant.
Coding change: c.166C>T on transcript NM_001264.5 (MANE Select); coding-DNA position 166, C replaced by T.
Protein change: p.Leu56Phe; replaces leucine 56 with phenylalanine.
Molecular consequence: missense variant. On other transcripts: intron variant (1).
Genome position (GRCh38, 1-based): chr6:31,117,449, G>A on the plus strand (C>T on the coding strand, the complement: CDSN is on the minus strand). VCF-style: chr6-31117449-G-A. GRCh37 (hg19) VCF-style: chr6-31085226-G-A.
Other names: c.-229+2558G>A (NM_014068.3); short protein forms L56F.
Identifiers: ClinVar variation 1321061 (VCV001321061.12), dbSNP rs7742033, ClinGen allele CA3708546.

ClinVar aggregate classification (germline): Benign/Likely benign. Review status: criteria provided, multiple submitters, no conflicts (2 of 4 stars). 3 submissions from 3 submitters: Benign (1); Likely benign (2). Last evaluated 2026-01-17.

Allele frequency attached by ClinVar (database versions not stated): gnomAD exomes 0.01181 and 0.01603; ESP Exome Variant Server 0.01808; gnomAD 0.02176 and 0.02221; 1000 Genomes Project 0.02296; TOPMed 0.02465; 1000 Genomes Project 30x 0.02483; ExAC 0.02843.
gnomAD v4.1: 20,337 of 1,557,208 alleles (1.3%); highest among the groups gnomAD compares: Middle Eastern, 9.1%; 341 homozygotes.

Submissions (3):

Labcorp Genetics (formerly Invitae), Labcorp
Classification: Benign. Last evaluated: 2026-01-17. Review status: criteria provided, single submitter. Criteria: Invitae Variant Classification Sherloc (09022015). Collection method: clinical testing. Allele origin: germline.

GeneDx
Classification: Likely benign. Last evaluated: 2023-05-17. Review status: criteria provided, single submitter. Criteria: GeneDx Variant Classification Process June 2021. Collection method: clinical testing. Allele origin: germline. Affected: yes.
Comment: See Variant Classification Assertion Criteria.

Breakthrough Genomics
Classification: Likely benign. Review status: criteria provided, single submitter. Criteria: ACMG Guidelines, 2015. Collection method: not provided. Allele origin: germline. Inheritance: Autosomal recessive inheritance. Affected: yes.